The following is an entry in ClinVar:

ClinVar aggregate classification (germline): Uncertain significance (1 of 4 stars; one submission).

gnomAD v4.1: 1 of 1,614,192 alleles (0.000062%); highest among the groups gnomAD compares: East Asian, 0.0022%; no homozygotes.

Submission:

Labcorp Genetics (formerly Invitae), Labcorp
Classification: Uncertain significance. Last evaluated: 2024-11-27. Review status: criteria provided, single submitter. Criteria: Invitae Variant Classification Sherloc (09022015). Collection method: clinical testing. Allele origin: germline.
Comment: This sequence change replaces proline, which is neutral and non-polar, with glutamine, which is neutral and polar, at codon 1247 of the POLE protein (p.Pro1247Gln). This variant is not present in population databases (gnomAD no frequency). This variant has not been reported in the literature in individuals affected with POLE-related conditions. Invitae Evidence Modeling of protein sequence and biophysical properties (such as structural, functional, and spatial information, amino acid conservation, physicochemical variation, residue mobility, and thermodynamic stability) indicates that this missense variant is not expected to disrupt POLE protein function with a negative predictive value of 80%. In summary, the available evidence is currently insufficient to determine the role of this variant in disease. Therefore, it has been classified as a Variant of Uncertain Significance.

NM_006231.4(POLE):c.3740C>A (p.Pro1247Gln)

Gene: POLE (DNA polymerase epsilon, catalytic subunit; minus strand). Cytogenetic location: 12q24.33.
Variant type: single nucleotide variant.
Coding change: c.3740C>A on transcript NM_006231.4 (MANE Select); coding-DNA position 3740, C replaced by A.
Protein change: p.Pro1247Gln; replaces proline 1247 with glutamine.
Molecular consequence: missense variant.
Genome position (GRCh38, 1-based): chr12:132,649,732, G>T on the plus strand (C>A on the coding strand, the complement: POLE is on the minus strand). VCF-style: chr12-132649732-G-T. GRCh37 (hg19) VCF-style: chr12-133226318-G-T.
Other names: short protein forms P1247Q.
Identifiers: ClinVar variation 3675903 (VCV003675903.2).